The following is an entry in ClinVar:

NM_007294.4(BRCA1):c.5278-13T>C

Gene: BRCA1 (BRCA1 DNA repair associated; minus strand). Cytogenetic location: 17q21.31.
Variant type: single nucleotide variant.
Coding change: c.5278-13T>C on transcript NM_007294.4 (MANE Select); 13 bases into the intron before coding-DNA position 5278, T replaced by C.
Molecular consequence: intron variant.
Genome position (GRCh38, 1-based): chr17:43,051,130, A>G on the plus strand (T>C on the coding strand, the complement: BRCA1 is on the minus strand). VCF-style: chr17-43051130-A-G. GRCh37 (hg19) VCF-style: chr17-41203147-A-G.
Other names: c.5275-13T>C (NM_001407625.1, NM_001407619.1, NM_001407610.1 and 17 more transcripts); c.5278-3427T>C (NM_001407684.1); c.5278-13T>C (NM_001407594.1, NM_001407593.1, NM_001407603.1 and 6 more transcripts); c.5341-13T>C (NM_001407583.1, NM_001407587.1, NM_001407585.1 and 1 more transcripts); c.5137-13T>C (NM_001407724.1, NM_001407697.1, NM_001407728.1 and 13 more transcripts); c.5131-13T>C (NM_001407838.1, NM_001407848.1, NM_001407839.1 and 12 more transcripts); c.1894-13T>C (NM_001408410.1); c.5134-13T>C (NM_001407741.1, NM_001407747.1, NM_001407745.1 and 21 more transcripts); and 74 more.
Identifiers: ClinVar variation 868272 (VCV000868272.4), dbSNP rs2051217574, ClinGen allele CA916081078.

ClinVar aggregate classification (germline): Likely benign (1 of 4 stars; one submission).

Conditions:
Hereditary breast ovarian cancer syndrome. Also called: Hereditary breast and ovarian cancer; Hereditary breast and ovarian cancer syndrome (HBOC); Breast and ovarian cancer; Hereditary breast and/or ovarian cancer syndrome; BRCA1- and BRCA2-Associated Hereditary Breast and Ovarian Cancer; Hereditary breast and ovarian cancer syndrome. Identifiers: Orphanet 145, MedGen C0677776, MeSH D061325, MONDO:0003582. Disease mechanism: loss of function.

Submissions (2):

Labcorp Genetics (formerly Invitae), Labcorp
Classification: Likely benign for Hereditary breast ovarian cancer syndrome. Last evaluated: 2025-06-18. Review status: criteria provided, single submitter. Criteria: Invitae Variant Classification Sherloc (09022015). Collection method: clinical testing. Allele origin: germline.

Brotman Baty Institute, University of Washington
No classification provided (evidence only). Condition: Breast-ovarian cancer, familial 1. Review status: no classification provided. Collection method: in vitro. Allele origin: not applicable. Functional consequence: functionally_normal. Not counted in ClinVar's aggregate classification.
ClinVar note: "not provided" was previously submitted as the classification for the variant. However, the classification appeared to be based only on an observation of functional data so it was converted to no classification on 2025-07-30.